The following is an entry in ClinVar:

ClinVar aggregate classification (germline): Uncertain significance (1 of 4 stars; one submission).

Allele frequency attached by ClinVar (database versions not stated): gnomAD exomes below 0.00001.
gnomAD v4.1: 2 of 1,182,302 alleles (0.00017%); highest among the groups gnomAD compares: South Asian, 0.0069%; no homozygotes.

Submission:

Labcorp Genetics (formerly Invitae), Labcorp
Classification: Uncertain significance. Last evaluated: 2023-01-24. Review status: criteria provided, single submitter. Criteria: Invitae Variant Classification Sherloc (09022015). Collection method: clinical testing. Allele origin: germline.
Comment: Advanced modeling of protein sequence and biophysical properties (such as structural, functional, and spatial information, amino acid conservation, physicochemical variation, residue mobility, and thermodynamic stability) performed at Invitae indicates that this missense variant is not expected to disrupt GRIN2D protein function. In summary, the available evidence is currently insufficient to determine the role of this variant in disease. Therefore, it has been classified as a Variant of Uncertain Significance. This variant has not been reported in the literature in individuals affected with GRIN2D-related conditions. The frequency data for this variant in the population databases is considered unreliable, as metrics indicate insufficient coverage at this position in the gnomAD database. This sequence change replaces alanine, which is neutral and non-polar, with valine, which is neutral and non-polar, at codon 1247 of the GRIN2D protein (p.Ala1247Val).

NM_000836.4(GRIN2D):c.3740C>T (p.Ala1247Val)

Gene: GRIN2D (glutamate ionotropic receptor NMDA type subunit 2D; plus strand). Cytogenetic location: 19q13.33.
Variant type: single nucleotide variant.
Coding change: c.3740C>T on transcript NM_000836.4 (MANE Select); coding-DNA position 3740, C replaced by T.
Protein change: p.Ala1247Val; replaces alanine 1247 with valine.
Molecular consequence: missense variant.
Genome position (GRCh38, 1-based): chr19:48,443,666, C>T. VCF-style: chr19-48443666-C-T. GRCh37 (hg19) VCF-style: chr19-48946923-C-T.
Other names: short protein forms A1247V.
Identifiers: ClinVar variation 2831346 (VCV002831346.3), dbSNP rs2513694006, ClinGen allele CA406677933.